The following is an entry in ClinVar:

NM_002457.5(MUC2):c.1386C>T (p.Ser462=)

Gene: MUC2 (mucin 2, oligomeric mucus/gel-forming; plus strand). Cytogenetic location: 11p15.5.
Variant type: single nucleotide variant.
Coding change: c.1386C>T on transcript NM_002457.5 (MANE Select); coding-DNA position 1386, C replaced by T.
Protein change: p.Ser462=; no amino-acid change (serine 462 retained).
Molecular consequence: synonymous variant.
Genome position (GRCh38, 1-based): chr11:1,083,094, C>T. VCF-style: chr11-1083094-C-T. GRCh37 (hg19) VCF-style: chr11-1081090-C-T.
Identifiers: ClinVar variation 2641120 (VCV002641120.24), dbSNP rs61732120, ClinGen allele CA5798539.

ClinVar aggregate classification (germline): Benign (1 of 4 stars; one submission).

Allele frequency attached by ClinVar (database versions not stated): 1000 Genomes Project 30x 0.00281; 1000 Genomes Project 0.00300; TOPMed 0.00640; ESP Exome Variant Server 0.00797; gnomAD 0.00818; ExAC 0.00888; gnomAD exomes 0.01061.

Submission:

CeGaT Center for Human Genetics Tuebingen
Classification: Benign. Last evaluated: 2023-11-01. Review status: criteria provided, single submitter. Criteria: CeGaT Center For Human Genetics Tuebingen Variant Classification Criteria Version 2. Collection method: clinical testing. Allele origin: germline. Affected: yes. Observed: 2 variant alleles.
Comment: MUC2: BP4, BP7, BS1, BS2